The following is an entry in ClinVar:

NM_006904.7(PRKDC):c.11783T>C (p.Phe3928Ser)

Gene: PRKDC (protein kinase, DNA-activated, catalytic subunit; minus strand). Cytogenetic location: 8q11.21.
Variant type: single nucleotide variant.
Coding change: c.11783T>C on transcript NM_006904.7 (MANE Select); coding-DNA position 11783, T replaced by C.
Protein change: p.Phe3928Ser; replaces phenylalanine 3928 with serine.
Molecular consequence: missense variant.
Genome position (GRCh38, 1-based): chr8:47,778,529, A>G on the plus strand (T>C on the coding strand, the complement: PRKDC is on the minus strand). VCF-style: chr8-47778529-A-G. GRCh37 (hg19) VCF-style: chr8-48691090-A-G.
Other names: c.11690T>C, p.Phe3897Ser (NM_001081640.2); short protein forms F3897S, F3928S.
Identifiers: ClinVar variation 3310094 (VCV003310094.1).

ClinVar aggregate classification (germline): Uncertain significance (1 of 4 stars; one submission).

Submission:

Ambry Genetics
Classification: Uncertain significance. Last evaluated: 2024-03-25. Review status: criteria provided, single submitter. Criteria: Ambry Variant Classification Scheme 2023. Collection method: clinical testing. Allele origin: germline.
Comment: The p.F3928S variant (also known as c.11783T>C), located in coding exon 83 of the PRKDC gene, results from a T to C substitution at nucleotide position 11783. The phenylalanine at codon 3928 is replaced by serine, an amino acid with highly dissimilar properties. This amino acid position is conserved. Based on the available evidence, the clinical significance of this alteration remains unclear.